The following is an entry in ClinVar:

ClinVar aggregate classification (germline): Pathogenic/Likely pathogenic. Review status: criteria provided, multiple submitters, no conflicts (2 of 4 stars). 2 submissions from 2 submitters: Pathogenic (1); Likely pathogenic (1). Last evaluated 2026-02-06.

Conditions:
Myopathy, myofibrillar, 9, with early respiratory failure (MFM9). Also called: Hereditary myopathy with early respiratory failure; MYOPATHY, PROXIMAL, WITH EARLY RESPIRATORY MUSCLE INVOLVEMENT; Myopathy, distal, with early respiratory failure, autosomal dominant; EDSTROM MYOPATHY. Identifiers: Orphanet 178464, Orphanet 34521, MedGen C1863599, MONDO:0011362, OMIM 603689.
Autosomal recessive titinopathy. Identifiers: MedGen CN315649, MONDO:0100493.

Submissions (2):

Myofin, Folkhalsan Research Center
Classification: Pathogenic for Autosomal recessive titinopathy. Last evaluated: 2026-02-06. Review status: criteria provided, single submitter. Criteria: ACMG Guidelines, 2015. Collection method: research. Allele origin: germline. Affected: yes.
Comment: TTN loss-of-function is an established mechanism for autosomal recessive titinopathies. ACMG/AMP criteria applied: PVS1 (predicted loss of function), PM2_Supporting (absent/rare in population databases), and PP4_Supporting (highly consistent clinical phenotype). Overall classification: Pathogenic for recessive titinopathy.

3billion
Classification: Likely pathogenic for Myopathy, myofibrillar, 9, with early respiratory failure. Last evaluated: 2023-12-02. Review status: criteria provided, single submitter. Criteria: ACMG Guidelines, 2015. Collection method: clinical testing. Allele origin: germline. Affected: yes.
Comment: The variant is not observed in the gnomAD v2.1.1 dataset. Predicted Consequence/Location: Frameshift: predicted to result in a loss or disruption of normal protein function through nonsense-mediated decay (NMD) or protein truncation. Multiple pathogenic variants are reported downstream of the variant. Therefore, this variant is classified as Likely pathogenic according to the recommendation of ACMG/AMP guideline.

Literature cited by the submitters: DOI 10.1101/2025.07.17.25331129 (cited by Myofin, Folkhalsan Research Center).

NM_001267550.2(TTN):c.42472dup (p.Thr14158fs)

Gene: TTN (titin; minus strand). Cytogenetic location: 2q31.2.
Variant type: Duplication.
Coding change: c.42472dup on transcript NM_001267550.2 (MANE Select); coding-DNA position 42472, one base duplicated (A; older notation c.42472dupA).
Protein change: p.Thr14158fs; shifts the reading frame from threonine 14158.
Molecular consequence: frameshift variant.
Genome position (GRCh38, 1-based): chr2:178,634,027, T duplicated on the plus strand (A on the coding strand, the reverse complement: TTN is on the minus strand); the first of 3 consecutive T bases (chr2:178,634,027-178,634,029); duplicating any one gives the same sequence. VCF-style (leftmost placement, unchanged base first): chr2-178634026-G-GT. GRCh37 (hg19) VCF-style: chr2-179498753-G-GT.
Other names: c.37549dup, p.Thr12517fs (NM_001256850.1); c.15277dup, p.Thr5093fs (NM_003319.4); c.34768dup, p.Thr11590fs (NM_133378.4); c.15652dup, p.Thr5218fs (NM_133432.3); c.15853dup, p.Thr5285fs (NM_133437.4); short protein forms T11590fs, T12517fs, T14158fs, T5093fs, T5218fs, T5285fs.
Identifiers: ClinVar variation 3776171 (VCV003776171.2).